The following is an entry in ClinVar:

NM_000321.3(RB1):c.45T>G (p.Ala15=)

Gene: RB1 (RB transcriptional corepressor 1; plus strand). Cytogenetic location: 13q14.2.
Variant type: single nucleotide variant.
Coding change: c.45T>G on transcript NM_000321.3 (MANE Select); coding-DNA position 45, T replaced by G.
Protein change: p.Ala15=; no amino-acid change (alanine 15 retained).
Molecular consequence: synonymous variant.
Genome position (GRCh38, 1-based): chr13:48,303,957, T>G. VCF-style: chr13-48303957-T-G. GRCh37 (hg19) VCF-style: chr13-48878093-T-G.
Other names: c.45T>G, p.Ala15= (NM_001407165.1, NM_001407166.1, NM_001407167.1).
Identifiers: ClinVar variation 1741817 (VCV001741817.5), dbSNP rs1593412047, ClinGen allele CA483711597.

ClinVar aggregate classification (germline): Benign/Likely benign. Review status: criteria provided, multiple submitters, no conflicts (2 of 4 stars). 3 submissions from 3 submitters: Benign (1); Likely benign (2). Last evaluated 2026-06-23.

Conditions:
Retinoblastoma (RB1). Also called: RETINOBLASTOMA, SOMATIC. Identifiers: Orphanet 790, MedGen C0035335, MeSH D012175, MONDO:0008380, OMIM 180200, HP:0009919. Disease mechanism: loss of function. Inheritance: Both sporadic and heritable forms are tested..
Hereditary cancer-predisposing syndrome. Also called: Neoplastic Syndromes, Hereditary; Tumor predisposition; Hereditary neoplastic syndrome; Hereditary Cancer Syndrome. Identifiers: Orphanet 140162, MedGen C0027672, MeSH D009386, MONDO:0015356.

Submissions (3):

Myriad Genetics, Inc.
Classification: Benign for Retinoblastoma. Last evaluated: 2026-06-23. Review status: criteria provided, single submitter. Criteria: Myriad Autosomal Dominant, Autosomal Recessive and X-Linked Classification Criteria (2023). Collection method: clinical testing. Allele origin: unknown.
Comment: This variant is considered benign. This variant is a silent/synonymous amino acid change and it is not expected to impact splicing.

Labcorp Genetics (formerly Invitae), Labcorp
Classification: Likely benign for Retinoblastoma. Last evaluated: 2024-07-24. Review status: criteria provided, single submitter. Criteria: Invitae Variant Classification Sherloc (09022015). Collection method: clinical testing. Allele origin: germline.

Ambry Genetics
Classification: Likely benign for Hereditary cancer-predisposing syndrome. Last evaluated: 2020-01-24. Review status: criteria provided, single submitter. Criteria: Ambry Variant Classification Scheme 2023. Collection method: clinical testing. Allele origin: germline.